The following is an entry in ClinVar:

NM_016529.6(ATP8A2):c.145G>T (p.Asp49Tyr)

Gene: ATP8A2 (ATPase phospholipid transporting 8A2). Cytogenetic location: 13q12.13.
Variant type: single nucleotide variant.
Coding change: c.145G>T on transcript NM_016529.6 (MANE Select); coding-DNA position 145, G replaced by T.
Protein change: p.Asp49Tyr; replaces aspartic acid 49 with tyrosine.
Molecular consequence: missense variant.
Genome position (GRCh38, 1-based): chr13:25,469,045, G>T. VCF-style: chr13-25469045-G-T. GRCh37 (hg19) VCF-style: chr13-26043183-G-T.
Other names: p.Asp49Tyr; c.25G>T, p.Asp9Tyr (NM_001313741.1); short protein forms D49Y, D9Y.
Identifiers: ClinVar variation 218738 (VCV000218738.5), dbSNP rs864309608, ClinGen allele CA248851.

ClinVar aggregate classification (germline): Conflicting classifications of pathogenicity. Review status: criteria provided, conflicting classifications (1 of 4 stars). 5 submissions from 5 submitters: Likely pathogenic (1); Uncertain significance (3); Likely benign (1). Last evaluated 2026-01-21.

Allele frequency attached by ClinVar (database versions not stated): gnomAD exomes below 0.00001; gnomAD 0.00001; TOPMed 0.00002.
gnomAD v4.1: 51 of 1,614,058 alleles (0.0032%); highest among the groups gnomAD compares: Middle Eastern, 0.56%; 2 homozygotes.

Submissions (5):

Labcorp Genetics (formerly Invitae), Labcorp
Classification: Uncertain significance. Last evaluated: 2026-01-21. Review status: criteria provided, single submitter. Criteria: Invitae Variant Classification Sherloc (09022015). Collection method: clinical testing. Allele origin: germline.
Comment: This sequence change replaces aspartic acid, which is acidic and polar, with tyrosine, which is neutral and polar, at codon 49 of the ATP8A2 protein (p.Asp49Tyr). This variant is present in population databases (no rsID available, gnomAD 0.0009%). This variant has not been reported in the literature in individuals affected with ATP8A2-related conditions. ClinVar contains an entry for this variant (Variation ID: 218738). An algorithm developed to predict the effect of missense changes on protein structure and function (PolyPhen-2) suggests that this variant is likely to be disruptive. In summary, the available evidence is currently insufficient to determine the role of this variant in disease. Therefore, it has been classified as a Variant of Uncertain Significance.

Mayo Clinic Laboratories, Mayo Clinic
Classification: Likely benign. Last evaluated: 2025-04-10. Review status: criteria provided, single submitter. Criteria: ACMG Guidelines, 2015. Collection method: clinical testing. Allele origin: germline. Observed: 1 variant allele.
Comment: BS1

Blueprint Genetics
Classification: Uncertain significance. Last evaluated: 2024-10-15. Review status: criteria provided, single submitter. Criteria: ACMG Guidelines, 2015. Collection method: clinical testing. Allele origin: germline.

Genomic Diagnostic Laboratory, Division of Genomic Diagnostics, Children's Hospital of Philadelphia
Classification: Uncertain significance. Last evaluated: 2015-07-17. Review status: criteria provided, single submitter. Criteria: DGD Variant Analysis Guidelines. Collection method: clinical testing. Allele origin: unknown.

GeneDx
Classification: Likely pathogenic. Last evaluated: 2015-03-16. Review status: criteria provided, single submitter. Criteria: GeneDx Variant Classification (06012015). Collection method: clinical testing. Allele origin: germline. Affected: yes.
Comment: The D49Y variant in the ATP8A2 gene has not been published as a pathogenic variant, nor has it been reported as a benign polymorphism to our knowledge. The D49Y variant was not observed in approximately 6,200 individuals of European and African American ancestry in the NHLBI Exome Sequencing Project, indicating it is not a common benign variant in these populations. The D49Y variant is a non-conservative amino acid substitution, which is likely to impact secondary protein structure as these residues differ in polarity, charge, size and/or other properties. This substitution occurs at a position that is conserved across species. In silico analysis predicts this variant is probably damaging to the protein structure/function. The D49Y variant is a good candidate for a disease-causing variant however the possibility it may be a rare benign variant cannot be excluded.